The following is an entry in ClinVar:

ClinVar aggregate classification (germline): Uncertain significance (1 of 4 stars; one submission).

Conditions:
SEMA3E-related disorder. Also called: SEMA3E-related condition.

Submission:

PreventionGenetics, part of Exact Sciences
Classification: Uncertain significance for SEMA3E-related condition. Last evaluated: 2026-02-11. Review status: criteria provided, single submitter. Criteria: ACMG Guidelines, 2015. Collection method: clinical testing. Allele origin: germline.
Comment: The SEMA3E c.604A>C variant is predicted to result in the amino acid substitution p.Ile202Leu. To our knowledge, this variant has not been reported in the literature. This variant is reported in 0.0029% of alleles in individuals of Latino descent in gnomAD. At this time, the clinical significance of this variant is uncertain due to the absence of conclusive functional and genetic evidence.

NM_012431.3(SEMA3E):c.604A>C (p.Ile202Leu)

Gene: SEMA3E (semaphorin 3E; minus strand). Cytogenetic location: 7q21.11.
Variant type: single nucleotide variant.
Coding change: c.604A>C on transcript NM_012431.3 (MANE Select); coding-DNA position 604, A replaced by C.
Protein change: p.Ile202Leu; replaces isoleucine 202 with leucine.
Molecular consequence: missense variant.
Genome position (GRCh38, 1-based): chr7:83,408,434, T>G on the plus strand (A>C on the coding strand, the complement: SEMA3E is on the minus strand). VCF-style: chr7-83408434-T-G. GRCh37 (hg19) VCF-style: chr7-83037750-T-G.
Other names: c.424A>C, p.Ile142Leu (NM_001178129.2); short protein forms I142L, I202L.
Identifiers: ClinVar variation 3355347 (VCV003355347.2).